The following is an entry in ClinVar:

ClinVar aggregate classification (germline): Uncertain significance (1 of 4 stars; one submission).

Conditions:
Hereditary pancreatitis (PCTT). Also called: PRSS1-Related Hereditary Pancreatitis; Hereditary chronic pancreatitis. Identifiers: Orphanet 676, MedGen C0238339, MONDO:0008185, OMIM 167800.

Allele frequency attached by ClinVar (database versions not stated): gnomAD exomes below 0.00001.
gnomAD v4.1: 4 of 1,614,164 alleles (0.00025%); highest among the groups gnomAD compares: African/African-American, 0.0013%; no homozygotes.

Submission:

Ambry Genetics
Classification: Uncertain significance for Hereditary pancreatitis. Last evaluated: 2025-09-19. Review status: criteria provided, single submitter. Criteria: Ambry Variant Classification Scheme 2023. Collection method: clinical testing. Allele origin: germline.
Comment: The p.I172V variant (also known as c.514A>G), located in coding exon 5 of the CPA1 gene, results from an A to G substitution at nucleotide position 514. The isoleucine at codon 172 is replaced by valine, an amino acid with highly similar properties. This amino acid position is conserved. In addition, this alteration is predicted to be tolerated by in silico analysis. Since supporting evidence is limited at this time, the clinical significance of this alteration remains unclear.

NM_001868.4(CPA1):c.514A>G (p.Ile172Val)

Gene: CPA1 (carboxypeptidase A1; plus strand). Cytogenetic location: 7q32.2.
Variant type: single nucleotide variant.
Coding change: c.514A>G on transcript NM_001868.4 (MANE Select); coding-DNA position 514, A replaced by G.
Protein change: p.Ile172Val; replaces isoleucine 172 with valine.
Molecular consequence: missense variant.
Genome position (GRCh38, 1-based): chr7:130,383,421, A>G. VCF-style: chr7-130383421-A-G. GRCh37 (hg19) VCF-style: chr7-130023262-A-G.
Other names: short protein forms I172V.
Identifiers: ClinVar variation 2625435 (VCV002625435.3), dbSNP rs2536008096, ClinGen allele CA369282207.